The following is an entry in ClinVar:

NM_006907.4(PYCR1):c.728A>G (p.His243Arg)

Gene: PYCR1 (pyrroline-5-carboxylate reductase 1; minus strand). Cytogenetic location: 17q25.3.
Variant type: single nucleotide variant.
Coding change: c.728A>G on transcript NM_006907.4 (MANE Select); coding-DNA position 728, A replaced by G.
Protein change: p.His243Arg; replaces histidine 243 with arginine.
Molecular consequence: missense variant. On other transcripts: intron variant (1).
Genome position (GRCh38, 1-based): chr17:81,934,395, T>C on the plus strand (A>G on the coding strand, the complement: PYCR1 is on the minus strand). VCF-style: chr17-81934395-T-C. GRCh37 (hg19) VCF-style: chr17-79892271-T-C.
Other names: c.728A>G (NM_006907.3); c.635A>G, p.His212Arg (NM_001282279.2); c.728A>G, p.His243Arg (NM_001282280.2, NM_153824.3); c.809A>G, p.His270Arg (NM_001282281.2); c.633+258A>G (NM_001330523.2); short protein forms H212R, H243R, H270R.
Identifiers: ClinVar variation 996065 (VCV000996065.6), dbSNP rs2041098364, ClinGen allele CA401537072.
Genomic context (GRCh38, chr17:81,934,395, plus strand): 5'-ATGCAGGAGGCCTCCACAGCGTTGATGAGCAGGGAGCGGAAGCCCCCACTCTCCAGCACA[T>C]GCAAGGCATGGATGGTGGCCCCACCAGGAGAGCTGACGTTGTCCTTGAGCTGGCCTGGGT-3'
Protein context (NP_008838.2, residues 233-253): SPGGATIHAL[His243Arg]VLESGGFRSL

ClinVar aggregate classification (germline): Conflicting classifications of pathogenicity. Review status: criteria provided, conflicting classifications (1 of 4 stars). 4 submissions from 4 submitters: Pathogenic (1); Likely pathogenic (1); Uncertain significance (2). Last evaluated 2025-06-27.

Conditions:
PYCR1-related disorder. Also called: PYCR1-related condition.
Autosomal recessive cutis laxa type 2B (ARCL2B). Also called: CUTIS LAXA, AUTOSOMAL RECESSIVE, TYPE IIB; CUTIS LAXA WITH PROGEROID FEATURES. Identifiers: Orphanet 357064, MedGen C2751987, MONDO:0013051, OMIM 612940. Disease mechanism: loss of function.

Allele frequency attached by ClinVar (database versions not stated): gnomAD exomes below 0.00001; TOPMed below 0.00001; gnomAD 0.00001.
gnomAD v4.1: 4 of 1,612,492 alleles (0.00025%); highest among the groups gnomAD compares: South Asian, 0.0011%; no homozygotes.

Submissions (4):

PreventionGenetics, part of Exact Sciences
Classification: Uncertain significance for PYCR1-related condition. Last evaluated: 2025-06-27. Review status: criteria provided, single submitter. Criteria: ACMG Guidelines, 2015. Collection method: clinical testing. Allele origin: germline.
Comment: The PYCR1 c.728A>G variant is predicted to result in the amino acid substitution p.His243Arg. This variant was reported in the compound heterozygous state in an individual with cutis laxa (Ritelli et al. 2017. PubMed ID: 28499588). This variant has not been reported in a large population database (gnomAD), indicating this variant is rare. At this time, the clinical significance of this variant is uncertain due to the absence of conclusive functional and genetic evidence.

Labcorp Genetics (formerly Invitae), Labcorp
Classification: Uncertain significance. Last evaluated: 2024-11-11. Review status: criteria provided, single submitter. Criteria: Invitae Variant Classification Sherloc (09022015). Collection method: clinical testing. Allele origin: germline.
Comment: This sequence change replaces histidine, which is basic and polar, with arginine, which is basic and polar, at codon 243 of the PYCR1 protein (p.His243Arg). This variant is not present in population databases (gnomAD no frequency). This missense change has been observed in individual(s) with cutis laxa (PMID: 28499588). In at least one individual the data is consistent with being in trans (on the opposite chromosome) from a pathogenic variant. ClinVar contains an entry for this variant (Variation ID: 996065). Invitae Evidence Modeling of protein sequence and biophysical properties (such as structural, functional, and spatial information, amino acid conservation, physicochemical variation, residue mobility, and thermodynamic stability) indicates that this missense variant is not expected to disrupt PYCR1 protein function with a negative predictive value of 80%. In summary, the available evidence is currently insufficient to determine the role of this variant in disease. Therefore, it has been classified as a Variant of Uncertain Significance.

Blueprint Genetics
Classification: Likely pathogenic for PYCR1-related disorders. Last evaluated: 2018-11-01. Review status: criteria provided, single submitter. Criteria: ACMG Guidelines, 2015. Collection method: clinical testing. Allele origin: germline. Affected: yes. Observed: 3 variant alleles.

Division of Biology and Genetics, University of Brescia
Classification: Pathogenic for Autosomal recessive cutis laxa type 2B. Review status: criteria provided, single submitter. Criteria: ACMG Guidelines, 2015. Collection method: clinical testing. Allele origin: paternal. Inheritance: Autosomal recessive inheritance. Affected: yes. Observed: 1 variant allele, 1 compound heterozygote.

Literature cited by the submitters: PubMed 28499588 (cited by Labcorp Genetics (formerly Invitae), Labcorp and Division of Biology and Genetics, University of Brescia).